The following is an entry in ClinVar:

ClinVar aggregate classification (germline): Uncertain significance. Review status: criteria provided, multiple submitters, no conflicts (2 of 4 stars). 2 submissions from 2 submitters: Uncertain significance (2). Last evaluated 2022-04-11.

Conditions:
Hereditary cancer-predisposing syndrome. Also called: Neoplastic Syndromes, Hereditary; Tumor predisposition; Hereditary Cancer Syndrome; Hereditary neoplastic syndrome. Identifiers: Orphanet 140162, MedGen C0027672, MeSH D009386, MONDO:0015356.
Hereditary nonpolyposis colorectal neoplasms. Identifiers: MedGen C0009405, MeSH D003123.

Submissions (2):

Labcorp Genetics (formerly Invitae), Labcorp
Classification: Uncertain significance for Hereditary nonpolyposis colorectal neoplasms. Last evaluated: 2022-04-11. Review status: criteria provided, single submitter. Criteria: Invitae Variant Classification Sherloc (09022015). Collection method: clinical testing. Allele origin: germline.
Comment: This sequence change replaces glutamic acid, which is acidic and polar, with valine, which is neutral and non-polar, at codon 533 of the MSH6 protein (p.Glu533Val). In summary, the available evidence is currently insufficient to determine the role of this variant in disease. Therefore, it has been classified as a Variant of Uncertain Significance. Advanced modeling of protein sequence and biophysical properties (such as structural, functional, and spatial information, amino acid conservation, physicochemical variation, residue mobility, and thermodynamic stability) performed at Invitae indicates that this missense variant is not expected to disrupt MSH6 protein function. ClinVar contains an entry for this variant (Variation ID: 483868). This variant has not been reported in the literature in individuals affected with MSH6-related conditions. This variant is not present in population databases (gnomAD no frequency).

Ambry Genetics
Classification: Uncertain significance for Hereditary cancer-predisposing syndrome. Last evaluated: 2017-06-20. Review status: criteria provided, single submitter. Criteria: Ambry Variant Classification Scheme 2023. Collection method: clinical testing. Allele origin: germline.
Comment: The p.E533V variant (also known as c.1598A>T), located in coding exon 4 of the MSH6 gene, results from an A to T substitution at nucleotide position 1598. The glutamic acid at codon 533 is replaced by valine, an amino acid with dissimilar properties. This amino acid position is highly conserved in available vertebrate species. In addition, this alteration is predicted to be deleterious by in silico analysis. In addition, the CoDP in silico tool predicts this alteration to have a minor impact on molecular function, with a score of 0.386 (Terui H et al. J. Biomed. Sci. 2013 Apr;20:25). Since supporting evidence is limited at this time, the clinical significance of this alteration remains unclear.

NM_000179.3(MSH6):c.1598A>T (p.Glu533Val)

Gene: MSH6 (mutS homolog 6; plus strand). Cytogenetic location: 2p16.3.
Variant type: single nucleotide variant.
Coding change: c.1598A>T on transcript NM_000179.3 (MANE Select); coding-DNA position 1598, A replaced by T.
Protein change: p.Glu533Val; replaces glutamic acid 533 with valine.
Molecular consequence: missense variant.
Genome position (GRCh38, 1-based): chr2:47,799,581, A>T. VCF-style: chr2-47799581-A-T. GRCh37 (hg19) VCF-style: chr2-48026720-A-T.
Other names: c.1208A>T, p.Glu403Val (NM_001281492.2); c.692A>T, p.Glu231Val (NM_001281493.2, NM_001281494.2); short protein forms E533V, E231V, E403V.
Identifiers: ClinVar variation 483868 (VCV000483868.10), dbSNP rs1553412981, ClinGen allele CA346746943.